The following is an entry in ClinVar:

NM_001083619.3(GRIA2):c.1844+2T>A

Gene: GRIA2 (glutamate ionotropic receptor AMPA type subunit 2; plus strand). Cytogenetic location: 4q32.1.
Variant type: single nucleotide variant.
Coding change: c.1844+2T>A on transcript NM_001083619.3 (MANE Select); the canonical splice donor site of the intron after coding-DNA position 1844, T replaced by A.
Molecular consequence: splice donor variant.
Genome position (GRCh38, 1-based): chr4:157,336,749, T>A. VCF-style: chr4-157336749-T-A. GRCh37 (hg19) VCF-style: chr4-158257901-T-A.
Other names: c.1703+2T>A (NM_001379000.3, NM_001379001.3, NM_001083620.3); c.1844+2T>A (NM_000826.6).
Identifiers: ClinVar variation 4534599 (VCV004534599.6).

ClinVar aggregate classification (germline): Uncertain significance (1 of 4 stars; one submission).

Submission:

CeGaT Center for Human Genetics Tuebingen
Classification: Uncertain significance. Last evaluated: 2026-09-01. Review status: criteria provided, single submitter. Criteria: CeGaT Center For Human Genetics Tuebingen Variant Classification Criteria Version 2. Collection method: clinical testing. Allele origin: germline. Affected: yes. Observed: 3 variant alleles.
Comment: GRIA2: PVS1:Moderate, PM2:Supporting